The following is an entry in ClinVar:

ClinVar aggregate classification (germline): Pathogenic. Review status: criteria provided, single submitter (1 of 4 stars). 2 submissions from 2 submitters: Pathogenic (1). 1 of the submissions does not count toward it. Last evaluated 2025-02-04.

Conditions:
Autosomal recessive inherited pseudoxanthoma elasticum (PXE). Identifiers: Orphanet 758, MedGen CN032334, MONDO:0009925, OMIM 264800.

Submissions (2):

Labcorp Genetics (formerly Invitae), Labcorp
Classification: Pathogenic. Last evaluated: 2025-02-04. Review status: criteria provided, single submitter. Criteria: Invitae Variant Classification Sherloc (09022015). Collection method: clinical testing. Allele origin: germline.
Comment: This sequence change creates a premature translational stop signal (p.Ile649Alafs*32) in the ABCC6 gene. It is expected to result in an absent or disrupted protein product. Loss-of-function variants in ABCC6 are known to be pathogenic (PMID: 11536079, 17617515). This variant is present in population databases (rs74315158, gnomAD 0.004%). This premature translational stop signal has been observed in individual(s) with pseudoxanthoma elasticum (PMID: 12673275). ClinVar contains an entry for this variant (Variation ID: 433405). For these reasons, this variant has been classified as Pathogenic.

PXE International
Classification: Likely pathogenic for Autosomal recessive inherited pseudoxanthoma elasticum. Last evaluated: 2021-03-12. Review status: no assertion criteria provided. Collection method: research. Allele origin: germline. Inheritance: Autosomal recessive inheritance. Affected: yes. Not counted in ClinVar's aggregate classification.

Literature cited by the submitters: PubMed 11536079 (cited by Labcorp Genetics (formerly Invitae), Labcorp); PubMed 17617515 (cited by Labcorp Genetics (formerly Invitae), Labcorp); PubMed 12673275 (cited by Labcorp Genetics (formerly Invitae), Labcorp and PXE International).

NM_001171.5(ABCC6):c.1944_1965del22

Gene: ABCC6 (ATP binding cassette subfamily C member 6; minus strand). Cytogenetic location: 16p13.11.
Variant type: Deletion.
Coding change: c.1944_1965del22 on transcript NM_001171.5; coding-DNA positions 1944 to 1965, 22 bases deleted (AATAAACCTCACGGTGCCCCAG).
Genome position (GRCh38, 1-based): chr16:16,182,909-16,182,930, CTGGGGCACCGTGAGGTTTATT deleted on the plus strand (AATAAACCTCACGGTGCCCCAG on the coding strand, the reverse complement: ABCC6 is on the minus strand); deleting any 22 consecutive bases within chr16:16,182,909-16,182,934 gives the same sequence; the c. name uses the placement nearest the transcript's 3' end. VCF-style (leftmost placement, unchanged base first): chr16-16182908-CCTGGGGCACCGTGAGGTTTATT-C. GRCh37 (hg19) VCF-style: chr16-16276765-CCTGGGGCACCGTGAGGTTTATT-C.
Identifiers: ClinVar variation 433405 (VCV000433405.12), ClinGen allele CA278648346.